The following is an entry in ClinVar:

NM_001006658.3(CR2):c.1402+1G>A

Gene: CR2 (complement C3d receptor 2; plus strand). Cytogenetic location: 1q32.2.
Variant type: single nucleotide variant.
Coding change: c.1402+1G>A on transcript NM_001006658.3 (MANE Select); the canonical splice donor site of the intron after coding-DNA position 1402, G replaced by A.
Molecular consequence: splice donor variant.
Genome position (GRCh38, 1-based): chr1:207,470,917, G>A. VCF-style: chr1-207470917-G-A. GRCh37 (hg19) VCF-style: chr1-207644262-G-A.
Other names: c.1402+1G>A (NM_001877.5).
Identifiers: ClinVar variation 636451 (VCV000636451.8), dbSNP rs372838534, ClinGen allele CA1368700.

ClinVar aggregate classification (germline): Conflicting classifications of pathogenicity. Review status: criteria provided, conflicting classifications (1 of 4 stars). 3 submissions from 3 submitters: Likely pathogenic (1); Uncertain significance (2). Last evaluated 2025-09-22.

Conditions:
Immunodeficiency, common variable, 7. Identifiers: Orphanet 1572, Orphanet 696894, MedGen C3542922, MONDO:0013862, OMIM 614699.

Allele frequency attached by ClinVar (database versions not stated): ExAC 0.00002; gnomAD exomes 0.00004 and 0.00006; gnomAD 0.00005 and 0.00006; TOPMed 0.00005; ESP Exome Variant Server 0.00008.
gnomAD v4.1: 100 of 1,613,704 alleles (0.0062%); highest among the groups gnomAD compares: Non-Finnish European, 0.0082%; no homozygotes.

Submissions (3):

Labcorp Genetics (formerly Invitae), Labcorp
Classification: Likely pathogenic for Immunodeficiency, common variable, 7. Last evaluated: 2025-09-22. Review status: criteria provided, single submitter. Criteria: Invitae Variant Classification Sherloc (09022015). Collection method: clinical testing. Allele origin: germline.
Comment: This sequence change affects a donor splice site in intron 7 of the CR2 gene. It is expected to disrupt RNA splicing. Variants that disrupt the donor or acceptor splice site typically lead to a loss of protein function (PMID: 16199547), and loss-of-function variants in CR2 are known to be pathogenic (PMID: 26325596, 28499783). This variant is present in population databases (rs372838534, gnomAD 0.009%). This variant has not been reported in the literature in individuals affected with CR2-related conditions. ClinVar contains an entry for this variant (Variation ID: 636451). Algorithms developed to predict the effect of sequence changes on RNA splicing suggest that this variant may disrupt the consensus splice site. In summary, the currently available evidence indicates that the variant is pathogenic, but additional data are needed to prove that conclusively. Therefore, this variant has been classified as Likely Pathogenic.

ARUP Laboratories, Molecular Genetics and Genomics, ARUP Laboratories
Classification: Uncertain significance. Last evaluated: 2024-09-06. Review status: criteria provided, single submitter. Criteria: ARUP Molecular Germline Variant Investigation Process 2024. Collection method: clinical testing. Allele origin: germline.
Comment: The CR2 c.1402+1G>A variant (rs372838534), to our knowledge, is not reported in the medical literature but is reported in ClinVar (Variation ID: 636451). This variant is observed in the non-Finnish European population with an allele frequency of 0.009% (11/128796 alleles) in the Genome Aggregation Database (v2.1.1). This variant disrupts the canonical splice donor site of intron 7, which is likely to negatively impact gene function. However, given the lack of clinical and functional data, the significance of this variant is uncertain at this time.

Blueprint Genetics
Classification: Uncertain significance. Last evaluated: 2023-09-11. Review status: criteria provided, single submitter. Criteria: ACMG Guidelines, 2015. Collection method: clinical testing. Allele origin: germline.

Literature cited by the submitters: PubMed 16199547 (cited by Labcorp Genetics (formerly Invitae), Labcorp); PubMed 26325596 (cited by Labcorp Genetics (formerly Invitae), Labcorp); PubMed 28499783 (cited by Labcorp Genetics (formerly Invitae), Labcorp).